The following is an entry in ClinVar:

ClinVar aggregate classification (germline): Benign (1 of 4 stars; one submission).

Allele frequency attached by ClinVar (database versions not stated): gnomAD 0.13072 and 0.13549; 1000 Genomes Project 30x 0.13117; 1000 Genomes Project 0.13179; TOPMed 0.13291.
gnomAD v4.1: 20,589 of 152,236 alleles (14%); highest among the groups gnomAD compares: Admixed American, 21%; 1,745 homozygotes.

Submission:

GeneDx
Classification: Benign. Last evaluated: 2018-06-16. Review status: criteria provided, single submitter. Criteria: GeneDx Variant Classification (06012015). Collection method: clinical testing. Allele origin: germline. Affected: yes.
Comment: This variant is considered likely benign or benign based on one or more of the following criteria: it is a conservative change, it occurs at a poorly conserved position in the protein, it is predicted to be benign by multiple in silico algorithms, and/or has population frequency not consistent with disease.

NM_006265.3(RAD21):c.481+216T>C

Gene: RAD21 (RAD21 cohesin complex component; minus strand). Cytogenetic location: 8q24.11.
Variant type: single nucleotide variant.
Coding change: c.481+216T>C on transcript NM_006265.3 (MANE Select); 216 bases into the intron after coding-DNA position 481, T replaced by C.
Molecular consequence: intron variant.
Genome position (GRCh38, 1-based): chr8:116,858,136, A>G on the plus strand (T>C on the coding strand, the complement: RAD21 is on the minus strand). VCF-style: chr8-116858136-A-G. GRCh37 (hg19) VCF-style: chr8-117870375-A-G.
Identifiers: ClinVar variation 668613 (VCV000668613.1), dbSNP rs3816342, ClinGen allele CA12846007.